The following is an entry in ClinVar:

NM_000284.4(PDHA1):c.616G>A (p.Glu206Lys)

Gene: PDHA1 (pyruvate dehydrogenase E1 subunit alpha 1; plus strand). Cytogenetic location: Xp22.12.
Variant type: single nucleotide variant.
Coding change: c.616G>A on transcript NM_000284.4 (MANE Select); coding-DNA position 616, G replaced by A.
Protein change: p.Glu206Lys; replaces glutamic acid 206 with lysine.
Molecular consequence: missense variant.
Genome position (GRCh38, 1-based): chrX:19,355,361, G>A. VCF-style: chrX-19355361-G-A. GRCh37 (hg19) VCF-style: chrX-19373479-G-A.
Other names: c.730G>A, p.Glu244Lys (NM_001173454.2); c.637G>A, p.Glu213Lys (NM_001173455.2); c.523G>A, p.Glu175Lys (NM_001173456.2); c.616G>A (NM_000284.3); short protein forms E175K, E206K, E213K, E244K.
Identifiers: ClinVar variation 2584444 (VCV002584444.2), dbSNP rs1555934336, ClinGen allele CA412394279.

ClinVar aggregate classification (germline): Pathogenic. Review status: criteria provided, single submitter (1 of 4 stars). 2 submissions from 2 submitters: Pathogenic (1). 1 of the submissions does not count toward it.

Conditions:
Pyruvate dehydrogenase E1-alpha deficiency (PDHAD). Also called: Ataxia, intermittent, with pyruvate dehydrogenase, or decarboxylase, deficiency; ATAXIA, INTERMITTENT, WITH PYRUVATE DEHYDROGENASE DEFICIENCY; ATAXIA WITH LACTIC ACIDOSIS I; ATAXIA, INTERMITTENT, WITH ABNORMAL PYRUVATE METABOLISM. Identifiers: Orphanet 79243, MedGen C1839413, MONDO:0010717, OMIM 312170.

Submissions (2):

Rady Children's Institute for Genomic Medicine, Rady Children's Hospital San Diego
Classification: Pathogenic for PYRUVATE DEHYDROGENASE E1-ALPHA DEFICIENCY. Review status: criteria provided, single submitter. Criteria: ACMG Guidelines, 2015. Collection method: clinical testing. Allele origin: germline. Affected: yes.
Comment: A different missense variant involving the same amino acid position (p.Glu244Gln) has been reported in the literature however detailed clinical information was not provided (PMID: 29565416). Missense variants in neighboring residues have been reported in the Human Gene Mutation Database (PMID: 32596782). This variant is absent from the gnomAD population database and thus is presumed to be rare. In silico analyses support a deleterious effect of the c.730G>A (p.Glu244Lys) variant on protein function. Analysis of the parental samples was negative for the variant, indicating this variant likely occurred as a de novo event. Based on the available evidence, the c.730G>A (p.Glu244Lys) variant is classified as Pathogenic.

PDHA1 Study Group, University Children’s Hospital, Paracelsus Medical University
Classification: Pathogenic for Pyruvate dehydrogenase E1-alpha deficiency. Last evaluated: 2024-10-15. Review status: no assertion criteria provided. Collection method: research. Allele origin: de novo. Affected: yes. Observed: 2 variant alleles. Not counted in ClinVar's aggregate classification.
Comment: The NM_000284.3:c.616G>A (p.Glu206Lys) substitution is a missense variant in PDHA1 gene. In total, 2 individuals were diagnosed with PDHA1-related Pyruvate dehydrogenase complex (PDHc) deficiency (MIM #312170). Among them, 1 case had confirmed de novo occurrence. The variant has been reported in 2 published cases (PMIDs: 19517265, 23021068, 28918066). Last literature search: July 12, 2024. This variant is absent or extremely rare in population-based cohorts in the Genome Aggregation Database (gnomAD). Individuals harboring this variant presented with clinical features compatible with PDHA1-related PDHc deficiency. In summary, this variant meets criteria to be classified as pathogenic (P) for PDHA1-related PDHc deficiency based on the ACMG/AMP criteria applied: PS3, PM1, PM2, PM7, PP3 (last assessment October 15, 2024).

Literature cited by the submitters: PubMed 19517265 (cited by PDHA1 Study Group, University Children’s Hospital, Paracelsus Medical University); PubMed 23021068 (cited by PDHA1 Study Group, University Children’s Hospital, Paracelsus Medical University); PubMed 28918066 (cited by PDHA1 Study Group, University Children’s Hospital, Paracelsus Medical University); DOI 10.1093/brain/awaf430 (cited by PDHA1 Study Group, University Children’s Hospital, Paracelsus Medical University).